The following is an entry in ClinVar:

NM_004655.4(AXIN2):c.2052del (p.Met685fs)

Gene: AXIN2 (axin 2; minus strand). Cytogenetic location: 17q24.1.
Variant type: Deletion.
Coding change: c.2052del on transcript NM_004655.4 (MANE Select); coding-DNA position 2052, one base deleted (G; older notation c.2052delG).
Protein change: p.Met685fs; shifts the reading frame from methionine 685.
Molecular consequence: frameshift variant.
Genome position (GRCh38, 1-based): chr17:65,536,409, C deleted on the plus strand (G on the coding strand, the reverse complement: AXIN2 is on the minus strand). VCF-style (leftmost placement, unchanged base first): chr17-65536408-TC-T. GRCh37 (hg19) VCF-style: chr17-63532526-TC-T.
Other names: c.2052delG (NM_004655.3); c.1857del, p.Met620fs (NM_001363813.1); short protein forms M620fs, M685fs.
Identifiers: ClinVar variation 1071633 (VCV001071633.8), dbSNP rs2144440894, ClinGen allele CA2499224844.
Genomic context (GRCh38, chr17:65,536,408, plus strand): 5'-CTAGCCTGCGACAGGCCTCCTCCAGCTGAGCCAGCGTGTTGGGTGGGGTCAGGGGAGGCA[TC>T]GCAGGGTCCTGGGTGAACAGGTGGGCACGGGGGGTGGTGCGGGGGTGCCCGCTGTTGCCC-3'

ClinVar aggregate classification (germline): Pathogenic. Review status: criteria provided, multiple submitters, no conflicts (2 of 4 stars). 2 submissions from 2 submitters: Pathogenic (2). Last evaluated 2023-12-06.

Conditions:
Hereditary cancer-predisposing syndrome. Also called: Tumor predisposition; Hereditary neoplastic syndrome; Neoplastic Syndromes, Hereditary; Hereditary Cancer Syndrome. Identifiers: Orphanet 140162, MedGen C0027672, MeSH D009386, MONDO:0015356.
Oligodontia-cancer predisposition syndrome. Also called: TOOTH AGENESIS-COLORECTAL CANCER SYNDROME. Identifiers: Orphanet 300576, MedGen C1837750, MONDO:0012075, OMIM 608615. Disease mechanism: loss of function.

Submissions (2):

Labcorp Genetics (formerly Invitae), Labcorp
Classification: Pathogenic for Oligodontia-cancer predisposition syndrome. Last evaluated: 2023-12-06. Review status: criteria provided, single submitter. Criteria: Invitae Variant Classification Sherloc (09022015). Collection method: clinical testing. Allele origin: germline.
Comment: This sequence change creates a premature translational stop signal (p.Met685Cysfs*4) in the AXIN2 gene. It is expected to result in an absent or disrupted protein product. Loss-of-function variants in AXIN2 are known to be pathogenic (PMID: 15042511, 21416598). This variant is not present in population databases (gnomAD no frequency). This variant has not been reported in the literature in individuals affected with AXIN2-related conditions. ClinVar contains an entry for this variant (Variation ID: 1071633). For these reasons, this variant has been classified as Pathogenic.

Ambry Genetics
Classification: Pathogenic for Hereditary cancer-predisposing syndrome. Last evaluated: 2023-05-26. Review status: criteria provided, single submitter. Criteria: Ambry Variant Classification Scheme 2023. Collection method: clinical testing. Allele origin: germline.
Comment: The c.2052delG pathogenic mutation, located in coding exon 7 of the AXIN2 gene, results from a deletion of one nucleotide at nucleotide position 2052, causing a translational frameshift with a predicted alternate stop codon (p.M685Cfs*4). This alteration has been observed in at least one individual with a personal and/or family history that is consistent with AXIN2-related disease (Ambry internal data). This variant is considered to be rare based on population cohorts in the Genome Aggregation Database (gnomAD). This alteration is expected to result in loss of function by premature protein truncation or nonsense-mediated mRNA decay. As such, this alteration is interpreted as a disease-causing mutation.

Literature cited by the submitters: PubMed 15042511 (cited by Labcorp Genetics (formerly Invitae), Labcorp); PubMed 21416598 (cited by Labcorp Genetics (formerly Invitae), Labcorp).